The following is an entry in ClinVar:

ClinVar aggregate classification (germline): Uncertain significance (1 of 4 stars; one submission).

Allele frequency attached by ClinVar (database versions not stated): gnomAD exomes below 0.00001.
gnomAD v4.1: 2 of 1,594,584 alleles (0.00013%); highest among the groups gnomAD compares: Non-Finnish European, 0.00017%; no homozygotes.

Submission:

Labcorp Genetics (formerly Invitae), Labcorp
Classification: Uncertain significance. Last evaluated: 2022-03-27. Review status: criteria provided, single submitter. Criteria: Invitae Variant Classification Sherloc (09022015). Collection method: clinical testing. Allele origin: germline.
Comment: This sequence change replaces cysteine, which is neutral and slightly polar, with arginine, which is basic and polar, at codon 283 of the PPA2 protein (p.Cys283Arg). This variant is not present in population databases (gnomAD no frequency). This variant has not been reported in the literature in individuals affected with PPA2-related conditions. Algorithms developed to predict the effect of missense changes on protein structure and function output the following: SIFT: "Tolerated"; PolyPhen-2: "Benign"; Align-GVGD: "Class C0". The arginine amino acid residue is found in multiple mammalian species, which suggests that this missense change does not adversely affect protein function. In summary, the available evidence is currently insufficient to determine the role of this variant in disease. Therefore, it has been classified as a Variant of Uncertain Significance.

NM_176869.3(PPA2):c.847T>C (p.Cys283Arg)

Gene: PPA2 (inorganic pyrophosphatase 2; minus strand). Cytogenetic location: 4q24.
Variant type: single nucleotide variant.
Coding change: c.847T>C on transcript NM_176869.3 (MANE Select); coding-DNA position 847, T replaced by C.
Protein change: p.Cys283Arg; replaces cysteine 283 with arginine.
Molecular consequence: missense variant.
Genome position (GRCh38, 1-based): chr4:105,396,271, A>G on the plus strand (T>C on the coding strand, the complement: PPA2 is on the minus strand). VCF-style: chr4-105396271-A-G. GRCh37 (hg19) VCF-style: chr4-106317428-A-G.
Other names: c.760T>C, p.Cys254Arg (NM_006903.4); c.541T>C, p.Cys181Arg (NM_176866.2); c.349T>C, p.Cys117Arg (NM_176867.3); short protein forms C181R, C254R, C117R, C283R.
Identifiers: ClinVar variation 1357861 (VCV001357861.3), dbSNP rs1056963570, ClinGen allele CA102780204.